The following is an entry in ClinVar:

NM_030665.4(RAI1):c.4624C>T (p.Arg1542Trp)

Gene: RAI1 (retinoic acid induced 1; plus strand). Cytogenetic location: 17p11.2.
Variant type: single nucleotide variant.
Coding change: c.4624C>T on transcript NM_030665.4 (MANE Select); coding-DNA position 4624, C replaced by T.
Protein change: p.Arg1542Trp; replaces arginine 1542 with tryptophan.
Molecular consequence: missense variant.
Genome position (GRCh38, 1-based): chr17:17,797,572, C>T. VCF-style: chr17-17797572-C-T. GRCh37 (hg19) VCF-style: chr17-17700886-C-T.
Other names: short protein forms R1542W.
Identifiers: ClinVar variation 2163878 (VCV002163878.6), dbSNP rs867293805, ClinGen allele CA288371356.

ClinVar aggregate classification (germline): Uncertain significance. Review status: criteria provided, multiple submitters, no conflicts (2 of 4 stars). 2 submissions from 2 submitters: Uncertain significance (2). Last evaluated 2025-12-10.

Allele frequency attached by ClinVar (database versions not stated): gnomAD 0.00001; TOPMed below 0.00001; gnomAD exomes 0.00001.
gnomAD v4.1: 19 of 1,613,970 alleles (0.0012%); highest among the groups gnomAD compares: East Asian, 0.0022%; no homozygotes.

Submissions (2):

Dasa
Classification: Uncertain significance. Last evaluated: 2025-12-10. Review status: criteria provided, single submitter. Criteria: DASA Assertion Criteria. Collection method: clinical testing. Allele origin: germline.
Comment: NM_030665.4(RAI1):c.4624C>T (p.Arg1542Trp) is a missense variant that results in the substitution of arginine with tryptophan. This variant is rare in population databases. Computational prediction algorithms are consistent with a benign effect. The currently available literature and clinical evidence are not sufficient to establish a definitive association between this variant and the reported condition. Therefore, this variant is classified as a variant of uncertain significance.

Labcorp Genetics (formerly Invitae), Labcorp
Classification: Uncertain significance. Last evaluated: 2025-04-02. Review status: criteria provided, single submitter. Criteria: Invitae Variant Classification Sherloc (09022015). Collection method: clinical testing. Allele origin: germline.
Comment: This sequence change replaces arginine, which is basic and polar, with tryptophan, which is neutral and slightly polar, at codon 1542 of the RAI1 protein (p.Arg1542Trp). This variant is present in population databases (no rsID available, gnomAD 0.002%). This variant has not been reported in the literature in individuals affected with RAI1-related conditions. ClinVar contains an entry for this variant (Variation ID: 2163878). Invitae Evidence Modeling of protein sequence and biophysical properties (such as structural, functional, and spatial information, amino acid conservation, physicochemical variation, residue mobility, and thermodynamic stability) has been performed for this missense variant. However, the output from this modeling did not meet the statistical confidence thresholds required to predict the impact of this variant on RAI1 protein function. In summary, the available evidence is currently insufficient to determine the role of this variant in disease. Therefore, it has been classified as a Variant of Uncertain Significance.